The following is an entry in ClinVar:

ClinVar aggregate classification (germline): Uncertain significance (1 of 4 stars; one submission).

Conditions:
Inborn genetic diseases. Identifiers: MedGen C0950123, MeSH D030342.

Submission:

Ambry Genetics
Classification: Uncertain significance for Inborn genetic diseases. Last evaluated: 2026-06-15. Review status: criteria provided, single submitter. Criteria: Ambry Variant Classification Scheme 2023. Collection method: clinical testing. Allele origin: germline.
Comment: The p.Q272K variant (also known as c.814C>A), located in coding exon 6 of the G6PC3 gene, results from a C to A substitution at nucleotide position 814. The glutamine at codon 272 is replaced by lysine, an amino acid with similar properties. This amino acid position is conserved. In addition, this alteration is predicted to be tolerated by in silico analysis. Based on the available evidence, the clinical significance of this variant remains unclear.

NM_138387.4(G6PC3):c.814C>A (p.Gln272Lys)

Gene: G6PC3 (glucose-6-phosphatase catalytic subunit 3; plus strand). Cytogenetic location: 17q21.31.
Variant type: single nucleotide variant.
Coding change: c.814C>A on transcript NM_138387.4 (MANE Select); coding-DNA position 814, C replaced by A.
Protein change: p.Gln272Lys; replaces glutamine 272 with lysine.
Molecular consequence: missense variant. On other transcripts: 3 prime UTR variant (1).
Genome position (GRCh38, 1-based): chr17:44,075,816, C>A. VCF-style: chr17-44075816-C-A. GRCh37 (hg19) VCF-style: chr17-42153184-C-A.
Other names: c.*107C>A (NM_001319945.2); c.469C>A, p.Gln157Lys (NM_001384165.1, NM_001384166.1, NM_001384167.1 and 1 more transcripts); short protein forms Q272K, Q157K.
Identifiers: ClinVar variation 5022078 (VCV005022078.1).